The following is an entry in ClinVar:

ClinVar aggregate classification (germline): Uncertain significance (1 of 4 stars; one submission).

Submission:

GeneDx
Classification: Uncertain significance. Last evaluated: 2025-01-15. Review status: criteria provided, single submitter. Criteria: GeneDx Variant Classification Process June 2021. Collection method: clinical testing. Allele origin: germline.
Comment: In-frame deletion of 1 amino acid in a non-repeat region; Not observed at significant frequency in large population cohorts (gnomAD); In silico analysis supports a deleterious effect on protein structure/function; Has not been previously published as pathogenic or benign to our knowledge

NM_006494.4(ERF):c.118GAG[1] (p.Glu41del)

Gene: ERF (ETS2 repressor factor; minus strand). Cytogenetic location: 19q13.2.
Variant type: Microsatellite.
Coding change: c.118GAG[1] on transcript NM_006494.4 (MANE Select); one copy of the 3-base unit GAG starting at c.118; the reference has two copies in a row; one copy, 3 bases deleted.
Protein change: p.Glu41del; deletes glutamic acid 41.
Molecular consequence: inframe deletion. On other transcripts: 5 prime UTR variant (3).
Genome position (GRCh38, 1-based): chr19:42,250,465-42,250,467, CTC deleted on the plus strand (GAG on the coding strand, the reverse complement: ERF is on the minus strand); deleting any 3 consecutive bases within chr19:42,250,465-42,250,472 gives the same sequence; the position shown is the placement nearest the transcript's 3' end. VCF-style (leftmost placement, unchanged base first): chr19-42250464-ACTC-A. GRCh37 (hg19) VCF-style: chr19-42754616-ACTC-A.
Other names: c.-108GAG[1] (NM_001301035.2, NM_001308402.2, NM_001312656.2); short protein forms E41del.
Identifiers: ClinVar variation 3343783 (VCV003343783.2).
Genomic context (GRCh38, chr19:42,250,464, plus strand): 5'-CATCAGGGTCTTTGATGACGAATTCCCCGTAGTCCCCCTGCCAGGCAATGACGCCCTGGT[ACTC>A]CTCCTTCCGCAGCAGCTCCAGGATAAAGTGCCACAGCTGGATCTGCCTTGAGCCAGGGGA-3'